The following is an entry in ClinVar:

ClinVar aggregate classification (germline): Uncertain significance. Review status: criteria provided, multiple submitters, no conflicts (2 of 4 stars). 2 submissions from 2 submitters: Uncertain significance (2). Last evaluated 2026-07-20.

Conditions:
DMXL2-related disorder. Also called: DMXL2-related condition.
Inborn genetic diseases. Identifiers: MedGen C0950123, MeSH D030342.

Allele frequency attached by ClinVar (database versions not stated): ExAC 0.00001; gnomAD 0.00001; TOPMed 0.00001; gnomAD exomes 0.00002.
gnomAD v4.1: 28 of 1,612,850 alleles (0.0017%); highest among the groups gnomAD compares: Non-Finnish European, 0.0024%; no homozygotes.

Submissions (2):

PreventionGenetics, part of Exact Sciences
Classification: Uncertain significance for DMXL2-related condition. Last evaluated: 2026-07-20. Review status: criteria provided, single submitter. Criteria: ACMG Guidelines, 2015. Collection method: clinical testing. Allele origin: germline.
Comment: The DMXL2 c.5954C>T variant is predicted to result in the amino acid substitution p.Ala1985Val. To our knowledge, this variant has not been reported in the literature. This variant is reported in 0.0018% of alleles in individuals of European (Non-Finnish) descent in gnomAD. At this time, the clinical significance of this variant is uncertain due to the absence of conclusive functional and genetic evidence.

Ambry Genetics
Classification: Uncertain significance for Inborn genetic diseases. Last evaluated: 2022-08-02. Review status: criteria provided, single submitter. Criteria: Ambry Variant Classification Scheme 2023. Collection method: clinical testing. Allele origin: germline.

NM_001378457.1(DMXL2):c.5954C>T (p.Ala1985Val)

Gene: DMXL2 (Dmx like 2; minus strand). Cytogenetic location: 15q21.2.
Variant type: single nucleotide variant.
Coding change: c.5954C>T on transcript NM_001378457.1 (MANE Select); coding-DNA position 5954, C replaced by T.
Protein change: p.Ala1985Val; replaces alanine 1985 with valine.
Molecular consequence: missense variant. On other transcripts: non-coding transcript variant (2).
Genome position (GRCh38, 1-based): chr15:51,481,152, G>A on the plus strand (C>T on the coding strand, the complement: DMXL2 is on the minus strand). VCF-style: chr15-51481152-G-A. GRCh37 (hg19) VCF-style: chr15-51773349-G-A.
Other names: c.5954C>T, p.Ala1985Val (NM_001174116.3, NM_001378458.1, NM_001378459.1 and 4 more transcripts); c.4046C>T, p.Ala1349Val (NM_001174117.3); c.3935C>T, p.Ala1312Val (NM_001378460.1); c.5714C>T, p.Ala1905Val (NM_001378464.1); short protein forms A1312V, A1349V, A1905V, A1985V.
Identifiers: ClinVar variation 2387471 (VCV002387471.3), dbSNP rs746512128, ClinGen allele CA7561710.